The following is an entry in ClinVar:

NM_004006.3(DMD):c.4990A>C (p.Thr1664Pro)

Gene: DMD (dystrophin; minus strand). Cytogenetic location: Xp21.1.
Variant type: single nucleotide variant.
Coding change: c.4990A>C on transcript NM_004006.3 (MANE Select); coding-DNA position 4990, A replaced by C.
Protein change: p.Thr1664Pro; replaces threonine 1664 with proline.
Molecular consequence: missense variant.
Genome position (GRCh38, 1-based): chrX:32,365,055, T>G on the plus strand (A>C on the coding strand, the complement: DMD is on the minus strand). VCF-style: chrX-32365055-T-G. GRCh37 (hg19) VCF-style: chrX-32383172-T-G.
Other names: c.4966A>C, p.Thr1656Pro (NM_000109.4); c.4978A>C, p.Thr1660Pro (NM_004009.3); c.4621A>C, p.Thr1541Pro (NM_004010.3); c.967A>C, p.Thr323Pro (NM_004011.4); c.958A>C, p.Thr320Pro (NM_004012.4); short protein forms T1541P, T1664P, T1660P, T320P, T1656P, T323P.
Identifiers: ClinVar variation 1744598 (VCV001744598.2), dbSNP rs745465665, ClinGen allele CA412671858.
Genomic context (GRCh38, chrX:32,365,055, plus strand): 5'-AAAAGCTTCTAGCCTTTTCTCTTACCAACAAAAGATTTAACCACTCTTCTGCTCGGGAGG[T>G]GACAGCTATCCAGTTACTATTCAGAAGACTGAGTTTATCTTCCACCAACGTCTCCTTCTT-3'
Protein context (NP_003997.2, residues 1654-1674): SLLNSNWIAV[Thr1664Pro]SRAEEWLNLL

ClinVar aggregate classification (germline): Uncertain significance (1 of 4 stars; one submission).

Conditions:
Cardiovascular phenotype. Identifiers: MedGen CN230736.

Submission:

Ambry Genetics
Classification: Uncertain significance for Cardiovascular phenotype. Last evaluated: 2022-09-20. Review status: criteria provided, single submitter. Criteria: Ambry Variant Classification Scheme 2023. Collection method: clinical testing. Allele origin: germline.
Comment: The p.T1664P variant (also known as c.4990A>C), located in coding exon 35 of the DMD gene, results from an A to C substitution at nucleotide position 4990. The threonine at codon 1664 is replaced by proline, an amino acid with highly similar properties. This amino acid position is highly conserved in available vertebrate species. In addition, this alteration is predicted to be deleterious by in silico analysis. Since supporting evidence is limited at this time, the clinical significance of this alteration remains unclear.